The following is an entry in ClinVar:

NM_007118.4(TRIO):c.1319G>T (p.Arg440Leu)

Gene: TRIO (trio Rho guanine nucleotide exchange factor; plus strand). Cytogenetic location: 5p15.2.
Variant type: single nucleotide variant.
Coding change: c.1319G>T on transcript NM_007118.4 (MANE Select); coding-DNA position 1319, G replaced by T.
Protein change: p.Arg440Leu; replaces arginine 440 with leucine.
Molecular consequence: missense variant. On other transcripts: non-coding transcript variant (1).
Genome position (GRCh38, 1-based): chr5:14,297,214, G>T. VCF-style: chr5-14297214-G-T. GRCh37 (hg19) VCF-style: chr5-14297323-G-T.
Other names: short protein forms R440L.
Identifiers: ClinVar variation 3368379 (VCV003368379.2).

ClinVar aggregate classification (germline): Uncertain significance (1 of 4 stars; one submission).

Submission:

GeneDx
Classification: Uncertain significance. Last evaluated: 2025-05-08. Review status: criteria provided, single submitter. Criteria: GeneDx Variant Classification Process June 2021. Collection method: clinical testing. Allele origin: germline.
Comment: Not observed at significant frequency in large population cohorts (gnomAD); In silico analysis supports that this missense variant has a deleterious effect on protein structure/function; Has not been previously published as pathogenic or benign to our knowledge